The following is an entry in ClinVar:

NM_014845.6(FIG4):c.1272-3C>T

Gene: FIG4 (FIG4 phosphoinositide 5-phosphatase; plus strand). Cytogenetic location: 6q21.
Variant type: single nucleotide variant.
Coding change: c.1272-3C>T on transcript NM_014845.6 (MANE Select); 3 bases into the intron before coding-DNA position 1272, C replaced by T.
Molecular consequence: intron variant.
Genome position (GRCh38, 1-based): chr6:109,762,088, C>T. VCF-style: chr6-109762088-C-T. GRCh37 (hg19) VCF-style: chr6-110083291-C-T.
Identifiers: ClinVar variation 1942067 (VCV001942067.5), dbSNP rs1316279550, ClinGen allele CA817100609.

ClinVar aggregate classification (germline): Uncertain significance (1 of 4 stars; one submission).

Conditions:
Charcot-Marie-Tooth disease type 4. Also called: Charcot-Marie-Tooth disease, type IV; Charcot-Marie-Tooth, Type 4. Identifiers: Orphanet 64749, MedGen C4082197, MONDO:0018995.

Allele frequency attached by ClinVar (database versions not stated): gnomAD exomes below 0.00001; TOPMed below 0.00001; gnomAD 0.00001.
gnomAD v4.1: 3 of 1,577,592 alleles (0.00019%); highest among the groups gnomAD compares: Non-Finnish European, 0.00026%; no homozygotes.

Submission:

Labcorp Genetics (formerly Invitae), Labcorp
Classification: Uncertain significance for Charcot-Marie-Tooth disease type 4. Last evaluated: 2022-06-10. Review status: criteria provided, single submitter. Criteria: Invitae Variant Classification Sherloc (09022015). Collection method: clinical testing. Allele origin: germline.
Comment: This variant has not been reported in the literature in individuals affected with FIG4-related conditions. In summary, the available evidence is currently insufficient to determine the role of this variant in disease. Therefore, it has been classified as a Variant of Uncertain Significance. Variants that disrupt the consensus splice site are a relatively common cause of aberrant splicing (PMID: 17576681, 9536098). Algorithms developed to predict the effect of sequence changes on RNA splicing suggest that this variant is not likely to affect RNA splicing. This variant is not present in population databases (gnomAD no frequency). This sequence change falls in intron 11 of the FIG4 gene. It does not directly change the encoded amino acid sequence of the FIG4 protein. It affects a nucleotide within the consensus splice site.

Literature cited by the submitters: PubMed 17576681; PubMed 9536098.